The following is an entry in ClinVar:

NM_002460.4(IRF4):c.541T>C (p.Tyr181His)

Gene: IRF4 (interferon regulatory factor 4; plus strand). Cytogenetic location: 6p25.3.
Variant type: single nucleotide variant.
Coding change: c.541T>C on transcript NM_002460.4 (MANE Select); coding-DNA position 541, T replaced by C.
Protein change: p.Tyr181His; replaces tyrosine 181 with histidine.
Molecular consequence: missense variant. On other transcripts: non-coding transcript variant (1).
Genome position (GRCh38, 1-based): chr6:397,156, T>C. VCF-style: chr6-397156-T-C. GRCh37 (hg19) VCF-style: chr6-397156-T-C.
Other names: c.538T>C, p.Tyr180His (NM_001195286.2); c.541T>C (NM_002460.3); short protein forms Y180H, Y181H.
Identifiers: ClinVar variation 1409983 (VCV001409983.9), dbSNP rs866516667, ClinGen allele CA133332974.

ClinVar aggregate classification (germline): Conflicting classifications of pathogenicity. Review status: criteria provided, conflicting classifications (1 of 4 stars). 2 submissions from 2 submitters: Uncertain significance (1); Benign (1). Last evaluated 2026-05-18.

Conditions:
IRF4-related disorder. Also called: IRF4-related condition.

Allele frequency attached by ClinVar (database versions not stated): gnomAD exomes 0.00002; gnomAD 0.00007 and 0.00008; TOPMed 0.00021.
gnomAD v4.1: 50 of 1,614,148 alleles (0.0031%); highest among the groups gnomAD compares: Admixed American, 0.047%; no homozygotes.

Submissions (2):

PreventionGenetics, part of Exact Sciences
Classification: Uncertain significance for IRF4-related condition. Last evaluated: 2026-05-18. Review status: criteria provided, single submitter. Criteria: ACMG Guidelines, 2015. Collection method: clinical testing. Allele origin: germline.
Comment: The IRF4 c.541T>C variant is predicted to result in the amino acid substitution p.Tyr181His. To our knowledge, this variant has not been reported in the literature or in a large population database (gnomAD), indicating this variant is rare. At this time, the clinical significance of this variant is uncertain due to the absence of conclusive functional and genetic evidence.

Labcorp Genetics (formerly Invitae), Labcorp
Classification: Benign. Last evaluated: 2025-10-26. Review status: criteria provided, single submitter. Criteria: Invitae Variant Classification Sherloc (09022015). Collection method: clinical testing. Allele origin: germline.